The following is an entry in ClinVar:

ClinVar aggregate classification (germline): Likely benign (0 of 4 stars; one submission).

Conditions:
SEMA3B-related disorder. Also called: SEMA3B-related condition.

gnomAD v4.1: 4 of 1,589,754 alleles (0.00025%); highest among the groups gnomAD compares: African/African-American, 0.0013%; no homozygotes.

Submission:

PreventionGenetics, part of Exact Sciences
Classification: Likely benign for SEMA3B-related condition. Last evaluated: 2023-12-08. Review status: no assertion criteria provided. Collection method: clinical testing. Allele origin: germline.
Comment: This variant is classified as likely benign based on ACMG/AMP sequence variant interpretation guidelines (Richards et al. 2015 PMID: 25741868, with internal and published modifications).

NM_001290060.2(SEMA3B):c.579C>T (p.Leu193=)

Gene: SEMA3B (semaphorin 3B; plus strand). Cytogenetic location: 3p21.31.
Variant type: single nucleotide variant.
Coding change: c.579C>T on transcript NM_001290060.2 (MANE Select); coding-DNA position 579, C replaced by T.
Protein change: p.Leu193=; no amino-acid change (leucine 193 retained).
Molecular consequence: synonymous variant.
Genome position (GRCh38, 1-based): chr3:50,271,395, C>T. VCF-style: chr3-50271395-C-T. GRCh37 (hg19) VCF-style: chr3-50308826-C-T.
Other names: c.579C>T, p.Leu193= (NM_001005914.3, NM_001290061.1, NM_004636.4).
Identifiers: ClinVar variation 3356388 (VCV003356388.1).
Genomic context (GRCh38, chr3:50,271,395, plus strand): 5'-CTGAGTGGCCCTTGCTCTGTCTGCAGGGGAGGAGCTATACTCAGGGGTGGCAGCAGACCT[C>T]ATGGGACGAGACTTTACCATCTTTCGCAGCCTAGGGCAACGTCCAAGTCTCCGAACAGAG-3'
Protein context (NP_001276989.1, residues 183-203): EELYSGVAAD[Leu193=]MGRDFTIFRS